The following is an entry in ClinVar:

ClinVar aggregate classification (germline): Uncertain significance. Review status: criteria provided, multiple submitters, no conflicts (2 of 4 stars). 3 submissions from 3 submitters: Uncertain significance (3). Last evaluated 2026-03-31.

Conditions:
TTN-related disorder. Also called: TTN-related disorders; TTN-related condition; TTN-related disease.

Allele frequency attached by ClinVar (database versions not stated): gnomAD exomes below 0.00001 and 0.00001; TOPMed below 0.00001; gnomAD 0.00001.
gnomAD v4.1: 9 of 1,612,584 alleles (0.00056%); highest among the groups gnomAD compares: South Asian, 0.0011%; no homozygotes.

Submissions (3):

PreventionGenetics, part of Exact Sciences
Classification: Uncertain significance for TTN-related condition. Last evaluated: 2026-03-31. Review status: criteria provided, single submitter. Criteria: ACMG Guidelines, 2015. Collection method: clinical testing. Allele origin: germline.
Comment: The TTN c.43478A>G variant is predicted to result in the amino acid substitution p.Glu14493Gly. To our knowledge, this variant has not been reported in the literature. This variant is reported in 0.0016% of alleles in individuals of European (Non-Finnish) descent in gnomAD. At this time, the clinical significance of this variant is uncertain due to the absence of conclusive functional and genetic evidence.

CeGaT Center for Human Genetics Tuebingen
Classification: Uncertain significance. Last evaluated: 2023-07-01. Review status: criteria provided, single submitter. Criteria: CeGaT Center For Human Genetics Tuebingen Variant Classification Criteria Version 2. Collection method: clinical testing. Allele origin: germline. Affected: yes. Observed: 1 variant allele.
Comment: TTN: PM2, BP4

Women's Health and Genetics/Laboratory Corporation of America, LabCorp
Classification: Uncertain significance. Last evaluated: 2023-05-23. Review status: criteria provided, single submitter. Criteria: LabCorp Variant Classification Summary - May 2015. Collection method: clinical testing. Allele origin: germline.
Comment: Variant summary: TTN c.35774A>G (p.Glu11925Gly) results in a non-conservative amino acid change located in the I-band region of the encoded protein sequence. Two of four in-silico tools predict a benign effect of the variant on protein function. 4/4 computational tools predict no significant impact on normal splicing. However, these predictions have yet to be confirmed by functional studies. The variant allele was found at a frequency of 4e-06 in 247096 control chromosomes (gnomAD). The available data on variant occurrences in the general population are insufficient to allow any conclusion about variant significance. To our knowledge, no occurrence of c.35774A>G in individuals affected with Dilated Cardiomyopathy and no experimental evidence demonstrating its impact on protein function have been reported. No clinical diagnostic laboratories have submitted clinical-significance assessments for this variant to ClinVar after 2014. Based on the evidence outlined above, the variant was classified as uncertain significance.

NM_001267550.2(TTN):c.43478A>G (p.Glu14493Gly)

Gene: TTN (titin; minus strand). Cytogenetic location: 2q31.2.
Variant type: single nucleotide variant.
Coding change: c.43478A>G on transcript NM_001267550.2 (MANE Select); coding-DNA position 43478, A replaced by G.
Protein change: p.Glu14493Gly; replaces glutamic acid 14493 with glycine.
Molecular consequence: missense variant.
Genome position (GRCh38, 1-based): chr2:178,632,528, T>C on the plus strand (A>G on the coding strand, the complement: TTN is on the minus strand). VCF-style: chr2-178632528-T-C. GRCh37 (hg19) VCF-style: chr2-179497255-T-C.
Other names: c.38555A>G, p.Glu12852Gly (NM_001256850.1); c.16283A>G, p.Glu5428Gly (NM_003319.4); c.35774A>G, p.Glu11925Gly (NM_133378.4); c.16658A>G, p.Glu5553Gly (NM_133432.3); c.16859A>G, p.Glu5620Gly (NM_133437.4); short protein forms E5553G, E5620G, E11925G, E12852G, E14493G, E5428G.
Identifiers: ClinVar variation 809004 (VCV000809004.36), dbSNP rs1316766072, ClinGen allele CA349650479.